The following is an entry in ClinVar:

ClinVar aggregate classification (germline): Uncertain significance (1 of 4 stars; one submission).

Submission:

GeneDx
Classification: Uncertain significance. Last evaluated: 2025-08-09. Review status: criteria provided, single submitter. Criteria: GeneDx Variant Classification Process June 2021. Collection method: clinical testing. Allele origin: germline. Affected: yes.
Comment: Not observed at significant frequency in large population cohorts (gnomAD); In-frame deletion of 1 amino acid(s) in a non-repeat region; In silico analysis supports a deleterious effect on protein structure/function; Has not been previously published as pathogenic or benign to our knowledge

NM_000719.7(CACNA1C):c.3481_3483del (p.Phe1161del)

Gene: CACNA1C (calcium voltage-gated channel subunit alpha1 C; plus strand). Cytogenetic location: 12p13.33.
Variant type: Deletion.
Coding change: c.3481_3483del on transcript NM_000719.7 (MANE Select); coding-DNA positions 3481 to 3483, 3 bases deleted (TTC; older notation c.3481_3483delTTC).
Protein change: p.Phe1161del; deletes phenylalanine 1161.
Molecular consequence: inframe indel (on NM_000719.6).
Genome position (GRCh38, 1-based): chr12:2,608,635-2,608,637, TTC deleted; deleting any 3 consecutive bases within chr12:2,608,633-2,608,637 gives the same sequence; the c. name uses the placement nearest the transcript's 3' end. VCF-style (leftmost placement, unchanged base first): chr12-2608632-ATCT-A. GRCh37 (hg19) VCF-style: chr12-2717798-ATCT-A.
Other names: c.3481_3483delTTC, p.Phe1161del (NM_000719.6); c.3541_3543del, p.Phe1181del (NM_001129827.2, NM_001129832.2, NM_199460.4); c.3481_3483del, p.Phe1161del (NM_001129829.2, NM_001129830.3, NM_001129831.2 and 15 more transcripts); c.3472_3474del, p.Phe1158del (NM_001129844.2); short protein forms F1158del, F1161del, F1181del.
Identifiers: ClinVar variation 4755603 (VCV004755603.1).
Genomic context (GRCh38, chr12:2,608,632, plus strand): 5'-GTGGAGATCTCCATCTTCTTCATCATCTACATCATCATCATCGCCTTCTTCATGATGAAC[ATCT>A]TCGTGGGCTTCGTCATCGTCACCTTTCAGGAGCAGGGGGAGCAGGAGTACAAGAACTGTG-3'